The following is an entry in ClinVar:

ClinVar aggregate classification (germline): Likely pathogenic (1 of 4 stars; one submission).

Conditions:
Hereditary cancer-predisposing syndrome. Also called: Tumor predisposition; Hereditary neoplastic syndrome; Hereditary Cancer Syndrome; Neoplastic Syndromes, Hereditary. Identifiers: Orphanet 140162, MedGen C0027672, MeSH D009386, MONDO:0015356.

Submission:

Ambry Genetics
Classification: Likely pathogenic for Hereditary cancer-predisposing syndrome. Last evaluated: 2025-05-30. Review status: criteria provided, single submitter. Criteria: Ambry Variant Classification Scheme 2023. Collection method: clinical testing. Allele origin: germline.
Comment: The c.2859+1G>T intronic variant results from a G to T substitution one nucleotide after coding exon 18 of the SMARCA4 gene. Other variant(s) impacting the same donor site, c.2859+2T>G, have been identified in individual(s) with features consistent with rhabdoid tumor predisposition syndrome (Ambry internal data). This variant is considered to be rare based on population cohorts in the Genome Aggregation Database (gnomAD). This nucleotide position is highly conserved in available vertebrate species. In silico splice site analysis predicts that this alteration will weaken the native splice donor site and will result in the creation or strengthening of a novel splice donor site. Alterations that disrupt the canonical splice site are expected to cause aberrant splicing, resulting in an abnormal protein or a transcript that is subject to nonsense-mediated mRNA decay. Loss-of-function variants in SMARCA4 are known to cause rhabdoid tumor predisposition syndrome including small cell carcinoma of the ovary-hypercalcemic type (SCCOHT); however, such associations with neurodevelopmental disorders are exceedingly rare (Kosho T et al. Am J Med Genet C Semin Med Genet. 2014 Sep;166C(3):262-75; Jelinic P et al. Nat Genet. 2014 May;46(5):424-6). Based on the supporting evidence, this alteration is likely pathogenic for rhabdoid tumor predisposition syndrome; however, the association of this alteration with Coffin-Siris syndrome is unlikely.

NM_003072.5(SMARCA4):c.2859+1G>T

Gene: SMARCA4 (SWI/SNF related BAF chromatin remodeling complex subunit ATPase 4; plus strand). Cytogenetic location: 19p13.2.
Variant type: single nucleotide variant.
Coding change: c.2859+1G>T on transcript NM_003072.5 (MANE Select); the canonical splice donor site of the intron after coding-DNA position 2859, G replaced by T.
Molecular consequence: splice donor variant.
Genome position (GRCh38, 1-based): chr19:11,021,968, G>T. VCF-style: chr19-11021968-G-T. GRCh37 (hg19) VCF-style: chr19-11132644-G-T.
Other names: c.2859+1G>T (NM_001128844.3, NM_001128849.3, NM_001128847.4 and 6 more transcripts).
Identifiers: ClinVar variation 3958455 (VCV003958455.1).
Genomic context (GRCh38, chr19:11,021,968, plus strand): 5'-AAGAGCTGCAGCACCTTCGAGCAGTGGTTTAACGCACCCTTTGCCATGACCGGGGAAAAG[G>T]TGGGTTTGCCCAGCTGTGCCCATGCTGACGGTTCCAGGTGCGGCTGGCTTTGCTGGTTGG-3'